The following is an entry in ClinVar:

NM_012120.3(CD2AP):c.42T>C (p.His14=)

Gene: CD2AP (CD2 associated protein; plus strand). Cytogenetic location: 6p12.3.
Variant type: single nucleotide variant.
Coding change: c.42T>C on transcript NM_012120.3 (MANE Select); coding-DNA position 42, T replaced by C.
Protein change: p.His14=; no amino-acid change (histidine 14 retained).
Molecular consequence: synonymous variant.
Genome position (GRCh38, 1-based): chr6:47,503,317, T>C. VCF-style: chr6-47503317-T-C. GRCh37 (hg19) VCF-style: chr6-47471053-T-C.
Other names: p.His14=.
Identifiers: ClinVar variation 792040 (VCV000792040.15), dbSNP rs34773184, ClinGen allele CA3843881.

ClinVar aggregate classification (germline): Benign/Likely benign. Review status: criteria provided, multiple submitters, no conflicts (2 of 4 stars). 5 submissions from 5 submitters: Benign (2); Likely benign (3). Last evaluated 2025-11-10.

Conditions:
Focal segmental glomerulosclerosis 3, susceptibility to (FSGS3). Identifiers: Orphanet 656, MedGen C1842982, MONDO:0011917, OMIM 607832.

Allele frequency attached by ClinVar (database versions not stated): gnomAD exomes 0.00046 and 0.00115; ExAC 0.00144; 1000 Genomes Project 0.00319; 1000 Genomes Project 30x 0.00359; gnomAD 0.00446 and 0.00472; TOPMed 0.00503; ESP Exome Variant Server 0.00661.
gnomAD v4.1: 1,380 of 1,613,834 alleles (0.086%); highest among the groups gnomAD compares: African/African-American, 1.6%; 14 homozygotes.

Submissions (5):

Labcorp Genetics (formerly Invitae), Labcorp
Classification: Benign. Last evaluated: 2025-11-10. Review status: criteria provided, single submitter. Criteria: Invitae Variant Classification Sherloc (09022015). Collection method: clinical testing. Allele origin: germline.

Blueprint Genetics
Classification: Likely benign. Last evaluated: 2024-10-07. Review status: criteria provided, single submitter. Criteria: ACMG Guidelines, 2015. Collection method: clinical testing. Allele origin: germline.

Mayo Clinic Laboratories, Mayo Clinic
Classification: Benign. Last evaluated: 2024-04-17. Review status: criteria provided, single submitter. Criteria: ACMG Guidelines, 2015. Collection method: clinical testing. Allele origin: germline. Observed: 3 variant alleles.
Comment: BS1, BS2, BP4, BP7

GeneDx
Classification: Likely benign. Last evaluated: 2021-10-26. Review status: criteria provided, single submitter. Criteria: GeneDx Variant Classification Process June 2021. Collection method: clinical testing. Allele origin: germline. Affected: yes.
Comment: See Variant Classification Assertion Criteria.

Fulgent Genetics
Classification: Likely benign for Focal segmental glomerulosclerosis 3, susceptibility to. Last evaluated: 2021-07-24. Review status: criteria provided, single submitter. Criteria: ACMG Guidelines, 2015. Collection method: clinical testing. Allele origin: unknown.